The following is an entry in ClinVar:

ClinVar aggregate classification (germline): Pathogenic (1 of 4 stars; one submission).

Conditions:
Exostoses, multiple, type 2 (EXT2). Also called: Hereditary Multiple Osteochondromatosis, Type II; EXOSTOSES, MULTIPLE, TYPE II. Identifiers: Orphanet 321, MedGen C1851413, MONDO:0007586, OMIM 133701.

Submission:

Labcorp Genetics (formerly Invitae), Labcorp
Classification: Pathogenic for Exostoses, multiple, type 2. Last evaluated: 2025-02-13. Review status: criteria provided, single submitter. Criteria: Invitae Variant Classification Sherloc (09022015). Collection method: clinical testing. Allele origin: germline.
Comment: This sequence change creates a premature translational stop signal (p.Trp358*) in the EXT2 gene. It is expected to result in an absent or disrupted protein product. Loss-of-function variants in EXT2 are known to be pathogenic (PMID: 10679937, 19810120). This variant is not present in population databases (gnomAD no frequency). This premature translational stop signal has been observed in individual(s) with multiple osteochondromas (PMID: 19810120, 23439489). Invitae Evidence Modeling of clinical and family history, age, sex, and reported ancestry of multiple individuals with this EXT2 variant has been performed. This variant is expected to be pathogenic with a positive predictive value of at least 99%. This is a validated machine learning model that incorporates the clinical features of 50,122 individuals referred to our laboratory for EXT2 testing. ClinVar contains an entry for this variant (Variation ID: 534139). For these reasons, this variant has been classified as Pathogenic.

Literature cited by the submitters: PubMed 10679937; PubMed 19810120; PubMed 23439489.

NM_207122.2(EXT2):c.1074G>A (p.Trp358Ter)

Gene: EXT2 (exostosin glycosyltransferase 2; plus strand). Cytogenetic location: 11p11.2.
Variant type: single nucleotide variant.
Coding change: c.1074G>A on transcript NM_207122.2 (MANE Select); coding-DNA position 1074, G replaced by A.
Protein change: p.Trp358Ter; replaces tryptophan 358 with a stop codon.
Molecular consequence: nonsense.
Genome position (GRCh38, 1-based): chr11:44,126,950, G>A. VCF-style: chr11-44126950-G-A. GRCh37 (hg19) VCF-style: chr11-44148500-G-A.
Other names: c.1173G>A, p.Trp391Ter (NM_000401.3); c.1074G>A, p.Trp358Ter (NM_001178083.3, NM_001389628.1, NM_001389630.1); short protein forms W391*, W358*.
Identifiers: ClinVar variation 534139 (VCV000534139.7), dbSNP rs1450980907, ClinGen allele CA380169372.